The following is an entry in ClinVar:

NM_133642.5(LARGE1):c.862T>C (p.Trp288Arg)

Gene: LARGE1 (LARGE xylosyl- and glucuronyltransferase 1; minus strand). Cytogenetic location: 22q12.3.
Variant type: single nucleotide variant.
Coding change: c.862T>C on transcript NM_133642.5 (MANE Select); coding-DNA position 862, T replaced by C.
Protein change: p.Trp288Arg; replaces tryptophan 288 with arginine.
Molecular consequence: missense variant.
Genome position (GRCh38, 1-based): chr22:33,432,191, A>G on the plus strand (T>C on the coding strand, the complement: LARGE1 is on the minus strand). VCF-style: chr22-33432191-A-G. GRCh37 (hg19) VCF-style: chr22-33828177-A-G.
Other names: c.862T>C, p.Trp288Arg (NM_001362949.2, NM_001362951.2, NM_001362953.2 and 7 more transcripts); c.259T>C, p.Trp87Arg (NM_001378630.1, NM_001378631.1); short protein forms W288R, W87R.
Identifiers: ClinVar variation 2501878 (VCV002501878.1), dbSNP rs2547094290, ClinGen allele CA411545352.

ClinVar aggregate classification (germline): Uncertain significance (1 of 4 stars; one submission).

Allele frequency attached by ClinVar (database versions not stated): gnomAD exomes below 0.00001.
gnomAD v4.1: 1 of 1,614,098 alleles (0.000062%); highest among the groups gnomAD compares: Non-Finnish European, 0.000085%; no homozygotes.

Submission:

GeneDx
Classification: Uncertain significance. Last evaluated: 2022-11-14. Review status: criteria provided, single submitter. Criteria: GeneDx Variant Classification Process June 2021. Collection method: clinical testing. Allele origin: germline. Affected: yes.
Comment: Not observed at significant frequency in large population cohorts (gnomAD); In silico analysis supports that this missense variant has a deleterious effect on protein structure/function; Has not been previously published as pathogenic or benign to our knowledge